The following is an entry in ClinVar:

NM_001164508.2(NEB):c.25463A>G (p.Lys8488Arg)

Genes: NEB (nebulin; minus strand), RIF1 (replication timing regulatory factor 1; plus strand). Cytogenetic location: 2q23.3.
Variant type: single nucleotide variant.
Coding change: c.25463A>G on transcript NM_001164508.2 (MANE Select); coding-DNA position 25463, A replaced by G.
Protein change: p.Lys8488Arg; replaces lysine 8488 with arginine.
Molecular consequence: missense variant.
Genome position (GRCh38, 1-based): chr2:151,485,875, T>C on the plus strand (A>G on the coding strand, the complement: NEB is on the minus strand). VCF-style: chr2-151485875-T-C. GRCh37 (hg19) VCF-style: chr2-152342389-T-C.
Other names: NM_001164508.2(NEB):c.25463A>G; p.Lys8488Arg; c.25463A>G, p.Lys8488Arg (NM_001164507.2); c.25568A>G, p.Lys8523Arg (NM_001271208.2); c.19895A>G, p.Lys6632Arg (NM_004543.5); short protein forms K6632R, K8523R, K8488R.
Identifiers: ClinVar variation 435961 (VCV000435961.31), dbSNP rs201714437, ClinGen allele CA1905697.

ClinVar aggregate classification (germline): Likely benign. Review status: reviewed by expert panel (3 of 4 stars). 11 submissions from 11 submitters: Likely benign (1). 10 of the submissions do not count toward it. Last evaluated 2024-08-07.

Conditions:
NEB-related disorder. Also called: NEB-Related Disorders; NEB-related condition.
Inborn genetic diseases. Identifiers: MedGen C0950123, MeSH D030342.
Nemaline myopathy. Also called: Myopathies, Nemaline. Identifiers: Orphanet 607, MedGen C0206157, MONDO:0018958.
Nemaline myopathy 2 (NEM2). Also called: Nemaline myopathy 2, autosomal recessive. Identifiers: MedGen C1850569, MONDO:0009725, OMIM 256030.

Allele frequency attached by ClinVar (database versions not stated): ExAC 0.00028; gnomAD exomes 0.00031 and 0.00080; gnomAD 0.00033 and 0.00035; TOPMed 0.00036; ESP Exome Variant Server 0.00064.
gnomAD v4.1: 1,193 of 1,613,906 alleles (0.074%); highest among the groups gnomAD compares: Non-Finnish European, 0.098%; no homozygotes.

Submissions (11):

ClinGen Congenital Myopathies Variant Curation Expert Panel, ClinGen
Classification: Likely benign for Nemaline myopathy. Last evaluated: 2024-08-07. Review status: reviewed by expert panel. Criteria: ClinGen CongenMyopathy ACMG Specifications NEB V1.0.0. Collection method: curation. Allele origin: germline. Inheritance: Autosomal recessive inheritance.
Comment: The c.25463A>G (p.Lys8488Arg) variant in NEB is a missense variant predicted to cause substitution of lysine by arginine at amino acid 8488. The highest population filtering allele frequency in gnomAD v4.1.0 is 0.0009555 (1161/1179882 alleles) in the European (non-Finnish) population, which is higher than the ClinGen Congenital Myopathies threshold (MAF≥0.000237) for BS1, and therefore meets this criterion (BS1). The computational predictor REVEL gives a score of 0.174, which is neither above nor below the thresholds predicting a damaging or benign impact on NEB function. In summary, this variant meets the criteria to be classified as likely benign for autosomal recessive nemaline myopathy based on the ACMG/AMP criteria applied, as specified by the ClinGen Congenital Myopathies VCEP: BS1. (Congenital Myopathies VCEP specifications version 1; 8/7/2024)

PreventionGenetics, part of Exact Sciences
Classification: Uncertain significance for NEB-related condition. Last evaluated: 2026-03-25. Review status: criteria provided, single submitter. Criteria: ACMG Guidelines, 2015. Collection method: clinical testing. Allele origin: germline. Not counted in ClinVar's aggregate classification.
Comment: The NEB c.25568A>G variant is predicted to result in the amino acid substitution p.Lys8523Arg. To our knowledge, this variant has not been reported in the literature. This variant is reported in 0.064% of alleles in individuals of European (Non-Finnish) descent in gnomAD. In ClinVar, this variant has been classified as uncertain and likely benign by several clinical labs (Variation ID: 435961). Although we suspect that this variant may be benign, at this time, the clinical significance of this variant is uncertain due to the absence of conclusive functional and genetic evidence.

Labcorp Genetics (formerly Invitae), Labcorp
Classification: Likely benign for Nemaline myopathy 2. Last evaluated: 2026-01-30. Review status: criteria provided, single submitter. Criteria: Invitae Variant Classification Sherloc (09022015). Collection method: clinical testing. Allele origin: germline. Not counted in ClinVar's aggregate classification.

Revvity Omics, Revvity
Classification: Uncertain significance. Last evaluated: 2023-11-15. Review status: criteria provided, single submitter. Criteria: ACMG Guidelines, 2015. Collection method: clinical testing. Allele origin: germline. Not counted in ClinVar's aggregate classification.

GeneDx
Classification: Uncertain significance. Last evaluated: 2022-05-31. Review status: criteria provided, single submitter. Criteria: GeneDx Variant Classification Process June 2021. Collection method: clinical testing. Allele origin: germline. Affected: yes. Not counted in ClinVar's aggregate classification.
Comment: In silico analysis supports that this missense variant does not alter protein structure/function; Has not been previously published as pathogenic or benign to our knowledge

Ambry Genetics
Classification: Uncertain significance for Inborn genetic diseases. Last evaluated: 2021-08-02. Review status: criteria provided, single submitter. Criteria: Ambry Variant Classification Scheme 2023. Collection method: clinical testing. Allele origin: germline. Not counted in ClinVar's aggregate classification.

Baylor Genetics
Classification: Uncertain significance for Nemaline myopathy 2. Last evaluated: 2019-08-30. Review status: criteria provided, single submitter. Criteria: ACMG Guidelines, 2015. Collection method: clinical testing. Allele origin: unknown. Affected: yes. Not counted in ClinVar's aggregate classification.
Comment: This variant was determined to be of uncertain significance according to ACMG Guidelines, 2015 [PMID:25741868].

Eurofins Ntd Llc (ga)
Classification: Uncertain significance. Last evaluated: 2018-06-13. Review status: criteria provided, single submitter. Criteria: EGL ClinVar v180209 classification definitions. Collection method: clinical testing. Allele origin: germline. Observed: 1 variant allele, 1 heterozygote. Not counted in ClinVar's aggregate classification.

Women's Health and Genetics/Laboratory Corporation of America, LabCorp
Classification: Uncertain significance. Last evaluated: 2018-06-11. Review status: criteria provided, single submitter. Criteria: LabCorp Variant Classification Summary - May 2015. Collection method: clinical testing. Allele origin: germline. Not counted in ClinVar's aggregate classification.
Comment: Variant summary: NEB c.25568A>G (p.Lys8523Arg) results in a conservative amino acid change in the encoded protein sequence. Three of three in-silico tools predict a benign effect of the variant on protein function. The variant allele was found at a frequency of 0.00028 in 120734 control chromosomes. This frequency is not significantly higher than expected for a pathogenic variant in NEB causing Nemaline Myopathy 2 (0.00028 vs 0.0035), allowing no conclusion about variant significance. To our knowledge, no occurrence of c.25568A>G in individuals affected with Nemaline Myopathy 2 and no experimental evidence demonstrating its impact on protein function have been reported. Two clinical diagnostic laboratories have submitted clinical-significance assessments for this variant to ClinVar after 2014 without evidence for independent evaluation. All laboratories classified the variant as uncertain significance. Based on the evidence outlined above, the variant was classified as uncertain significance.

Genetic Services Laboratory, University of Chicago
Classification: Uncertain significance. Last evaluated: 2016-07-21. Review status: criteria provided, single submitter. Criteria: ACMG Guidelines, 2015. Collection method: clinical testing. Allele origin: germline. Affected: no. Not counted in ClinVar's aggregate classification.

Natera, Inc.
Classification: Uncertain significance for Nemaline myopathy type 2. Last evaluated: 2020-02-19. Review status: no assertion criteria provided. Collection method: clinical testing. Allele origin: germline. Not counted in ClinVar's aggregate classification.